The following is an entry in ClinVar:

ClinVar aggregate classification (germline): Uncertain significance (1 of 4 stars; one submission).

Conditions:
Hereditary cancer-predisposing syndrome. Also called: Neoplastic Syndromes, Hereditary; Tumor predisposition; Hereditary Cancer Syndrome; Hereditary neoplastic syndrome. Identifiers: Orphanet 140162, MedGen C0027672, MeSH D009386, MONDO:0015356.
Cardiovascular phenotype. Identifiers: MedGen CN230736.

Submission:

Ambry Genetics
Classification: Uncertain significance for Cardiovascular phenotype; Hereditary cancer-predisposing syndrome. Last evaluated: 2021-04-28. Review status: criteria provided, single submitter. Criteria: Ambry Variant Classification Scheme 2023. Collection method: clinical testing. Allele origin: germline.
Comment: The p.L1280V variant (also known as c.3838T>G), located in coding exon 28 of the NF1 gene, results from a T to G substitution at nucleotide position 3838. The leucine at codon 1280 is replaced by valine, an amino acid with highly similar properties. This amino acid position is highly conserved in available vertebrate species. In addition, this alteration is predicted to be deleterious by in silico analysis. Since supporting evidence is limited at this time, the clinical significance of this alteration remains unclear.

NM_001042492.3(NF1):c.3838T>G (p.Leu1280Val)

Gene: NF1 (neurofibromin 1; plus strand). Cytogenetic location: 17q11.2.
Variant type: single nucleotide variant.
Coding change: c.3838T>G on transcript NM_001042492.3 (MANE Select); coding-DNA position 3838, T replaced by G.
Protein change: p.Leu1280Val; replaces leucine 1280 with valine.
Molecular consequence: missense variant.
Genome position (GRCh38, 1-based): chr17:31,235,740, T>G. VCF-style: chr17-31235740-T-G. GRCh37 (hg19) VCF-style: chr17-29562758-T-G.
Other names: c.3838T>G, p.Leu1280Val (NM_000267.4); short protein forms L1280V.
Identifiers: ClinVar variation 1735399 (VCV001735399.2), dbSNP rs2151438007, ClinGen allele CA398992799.